The following is an entry in ClinVar:

NM_001170535.3(ATAD3A):c.1089+8C>T

Gene: ATAD3A (ATPase family AAA domain containing 3A; plus strand). Cytogenetic location: 1p36.33.
Variant type: single nucleotide variant.
Coding change: c.1089+8C>T on transcript NM_001170535.3 (MANE Select); 8 bases into the intron after coding-DNA position 1089, C replaced by T.
Molecular consequence: intron variant.
Genome position (GRCh38, 1-based): chr1:1,523,972, C>T. VCF-style: chr1-1523972-C-T. GRCh37 (hg19) VCF-style: chr1-1459352-C-T.
Other names: c.1233+8C>T (NM_018188.5); c.852+8C>T (NM_001170536.3).
Identifiers: ClinVar variation 730248 (VCV000730248.28), dbSNP rs200282209, ClinGen allele CA526170.

ClinVar aggregate classification (germline): Benign/Likely benign. Review status: criteria provided, multiple submitters, no conflicts (2 of 4 stars). 3 submissions from 3 submitters: Benign (1); Likely benign (2). Last evaluated 2026-02-01.

Allele frequency attached by ClinVar (database versions not stated): gnomAD exomes 0.00045 and 0.00093; ExAC 0.00113; 1000 Genomes Project 0.00260; 1000 Genomes Project 30x 0.00297; gnomAD 0.00378 and 0.00411; ESP Exome Variant Server 0.00408; TOPMed 0.00422.

Submissions (3):

CeGaT Center for Human Genetics Tuebingen
Classification: Likely benign. Last evaluated: 2026-02-01. Review status: criteria provided, single submitter. Criteria: CeGaT Center For Human Genetics Tuebingen Variant Classification Criteria Version 2. Collection method: clinical testing. Allele origin: germline. Affected: yes. Observed: 4 variant alleles.
Comment: ATAD3A: BP4, BS1

Blueprint Genetics
Classification: Likely benign. Last evaluated: 2024-10-24. Review status: criteria provided, single submitter. Criteria: ACMG Guidelines, 2015. Collection method: clinical testing. Allele origin: germline.

Labcorp Genetics (formerly Invitae), Labcorp
Classification: Benign. Last evaluated: 2018-06-26. Review status: criteria provided, single submitter. Criteria: Invitae Variant Classification Sherloc (09022015). Collection method: clinical testing. Allele origin: germline.